The following is an entry in ClinVar:

NM_000488.4(SERPINC1):c.1395A>C (p.Ter465Tyr)

Gene: SERPINC1 (serpin family C member 1; minus strand). Cytogenetic location: 1q25.1.
Variant type: single nucleotide variant.
Coding change: c.1395A>C on transcript NM_000488.4 (MANE Select); coding-DNA position 1395, A replaced by C.
Protein change: p.Ter465Tyr.
Molecular consequence: stop lost.
Genome position (GRCh38, 1-based): chr1:173,903,889, T>G on the plus strand (A>C on the coding strand, the complement: SERPINC1 is on the minus strand). VCF-style: chr1-173903889-T-G. GRCh37 (hg19) VCF-style: chr1-173873027-T-G.
Other names: c.1251A>C, p.Ter417Tyr (NM_001365052.2); c.1518A>C, p.Ter506Tyr (NM_001386302.1); c.1476A>C, p.Ter492Tyr (NM_001386303.1); c.1374A>C, p.Ter458Tyr (NM_001386304.1); c.1338A>C, p.Ter446Tyr (NM_001386305.1); c.1179A>C, p.Ter393Tyr (NM_001386306.1).
Identifiers: ClinVar variation 2073944 (VCV002073944.4), dbSNP rs2526541988, ClinGen allele CA343771973.

ClinVar aggregate classification (germline): Uncertain significance (1 of 4 stars; one submission).

Conditions:
Hereditary antithrombin deficiency (AT3D). Also called: Antithrombin III deficiency; Thrombophilia due to antithrombin III deficiency; Antithrombin deficiency; Reduced antithrombin III activity. Identifiers: Orphanet 82, MedGen C0272375, MONDO:0013144, OMIM 613118, HP:0001976.

Submission:

Labcorp Genetics (formerly Invitae), Labcorp
Classification: Uncertain significance for Hereditary antithrombin deficiency. Last evaluated: 2022-02-04. Review status: criteria provided, single submitter. Criteria: Invitae Variant Classification Sherloc (09022015). Collection method: clinical testing. Allele origin: germline.
Comment: In summary, the available evidence is currently insufficient to determine the role of this variant in disease. Therefore, it has been classified as a Variant of Uncertain Significance. This variant results in an extension of the SERPINC1 protein. Other variant(s) that result in a similarly extended protein product (c.1394A>C (p.*465Serext*28)) have been observed in individuals with SERPINC1-related disease (PMID: 22398878). This suggests that these extensions may be clinically significant. This protein extension has been observed in individual(s) with clinical features of antithrombin III deficiency (Invitae). This variant is not present in population databases (gnomAD no frequency). This sequence change disrupts the translational stop signal of the SERPINC1 mRNA. It is expected to extend the length of the SERPINC1 protein by an uncertain number of additional amino acid residues.

Literature cited by the submitters: PubMed 22398878.